The following is an entry in ClinVar:

NM_000368.5(TSC1):c.837C>A (p.His279Gln)

Gene: TSC1 (TSC complex subunit 1; minus strand). Cytogenetic location: 9q34.13.
Variant type: single nucleotide variant.
Coding change: c.837C>A on transcript NM_000368.5 (MANE Select); coding-DNA position 837, C replaced by A.
Protein change: p.His279Gln; replaces histidine 279 with glutamine.
Molecular consequence: missense variant. On other transcripts: 5 prime UTR variant (5), non-coding transcript variant (5).
Genome position (GRCh38, 1-based): chr9:132,912,358, G>T on the plus strand (C>A on the coding strand, the complement: TSC1 is on the minus strand). VCF-style: chr9-132912358-G-T. GRCh37 (hg19) VCF-style: chr9-135787745-G-T.
Other names: c.837C>A, p.His279Gln (NM_001162426.2, NM_001406592.1, NM_001406593.1 and 16 more transcripts); c.684C>A, p.His228Gln (NM_001162427.2, NM_001406610.1, NM_001406611.1 and 2 more transcripts); c.474C>A, p.His158Gln (NM_001362177.2, NM_001406615.1, NM_001406616.1 and 10 more transcripts); c.-115C>A (NM_001406626.1, NM_001406627.1, NM_001406628.1); c.-257C>A (NM_001406629.1, NM_001406630.1); short protein forms H228Q, H158Q, H279Q.
Identifiers: ClinVar variation 2868534 (VCV002868534.3), dbSNP rs2131999442, ClinGen allele CA375369307.

ClinVar aggregate classification (germline): Uncertain significance (1 of 4 stars; one submission).

Conditions:
Tuberous sclerosis 1 (TSC1). Identifiers: Orphanet 805, MedGen C1854465, MONDO:0008612, OMIM 191100.

gnomAD v4.1: 1 of 1,614,218 alleles (0.000062%); highest among the groups gnomAD compares: Non-Finnish European, 0.000085%; no homozygotes.

Submission:

Labcorp Genetics (formerly Invitae), Labcorp
Classification: Uncertain significance for Tuberous sclerosis 1. Last evaluated: 2023-12-09. Review status: criteria provided, single submitter. Criteria: Invitae Variant Classification Sherloc (09022015). Collection method: clinical testing. Allele origin: germline.
Comment: This sequence change replaces histidine, which is basic and polar, with glutamine, which is neutral and polar, at codon 279 of the TSC1 protein (p.His279Gln). This variant is not present in population databases (gnomAD no frequency). This variant has not been reported in the literature in individuals affected with TSC1-related conditions. Advanced modeling of protein sequence and biophysical properties (such as structural, functional, and spatial information, amino acid conservation, physicochemical variation, residue mobility, and thermodynamic stability) performed at Invitae indicates that this missense variant is not expected to disrupt TSC1 protein function with a negative predictive value of 95%. In summary, the available evidence is currently insufficient to determine the role of this variant in disease. Therefore, it has been classified as a Variant of Uncertain Significance.